The following is an entry in ClinVar:

ClinVar aggregate classification (germline): Uncertain significance (1 of 4 stars; one submission).

Conditions:
MEGF10-related myopathy (CMYO10A). Also called: Congenital myopathy 10A, severe variant. Identifiers: Orphanet 439212, MedGen C3280679, MONDO:0013731, OMIM 614399.

Allele frequency attached by ClinVar (database versions not stated): gnomAD exomes below 0.00001; gnomAD 0.00001; TOPMed 0.00001.
gnomAD v4.1: 4 of 1,613,958 alleles (0.00025%); highest among the groups gnomAD compares: Non-Finnish European, 0.00034%; no homozygotes.

Submission:

Labcorp Genetics (formerly Invitae), Labcorp
Classification: Uncertain significance for MEGF10-related myopathy. Last evaluated: 2022-10-04. Review status: criteria provided, single submitter. Criteria: Invitae Variant Classification Sherloc (09022015). Collection method: clinical testing. Allele origin: germline.
Comment: This variant is present in population databases (no rsID available, gnomAD 0.007%). This variant has not been reported in the literature in individuals affected with MEGF10-related conditions. Algorithms developed to predict the effect of missense changes on protein structure and function output the following: SIFT: "Tolerated"; PolyPhen-2: "Benign"; Align-GVGD: "Class C0". The arginine amino acid residue is found in multiple mammalian species, which suggests that this missense change does not adversely affect protein function. In summary, the available evidence is currently insufficient to determine the role of this variant in disease. Therefore, it has been classified as a Variant of Uncertain Significance. This sequence change replaces glutamine, which is neutral and polar, with arginine, which is basic and polar, at codon 1125 of the MEGF10 protein (p.Gln1125Arg).

NM_001256545.2(MEGF10):c.3374A>G (p.Gln1125Arg)

Gene: MEGF10 (multiple EGF like domains 10; plus strand). Cytogenetic location: 5q23.2.
Variant type: single nucleotide variant.
Coding change: c.3374A>G on transcript NM_001256545.2 (MANE Select); coding-DNA position 3374, A replaced by G.
Protein change: p.Gln1125Arg; replaces glutamine 1125 with arginine.
Molecular consequence: missense variant.
Genome position (GRCh38, 1-based): chr5:127,457,269, A>G. VCF-style: chr5-127457269-A-G. GRCh37 (hg19) VCF-style: chr5-126792961-A-G.
Other names: c.3374A>G, p.Gln1125Arg (NM_032446.3); short protein forms Q1125R.
Identifiers: ClinVar variation 2152727 (VCV002152727.4), dbSNP rs1213085498, ClinGen allele CA360720004.